The following is an entry in ClinVar:

ClinVar aggregate classification (germline): Uncertain significance (1 of 4 stars; one submission).

Allele frequency attached by ClinVar (database versions not stated): gnomAD exomes below 0.00001; ExAC 0.00001.
gnomAD v4.1: 6 of 1,613,892 alleles (0.00037%); highest among the groups gnomAD compares: East Asian, 0.0045%; no homozygotes.

Submission:

Ambry Genetics
Classification: Uncertain significance. Last evaluated: 2022-07-26. Review status: criteria provided, single submitter. Criteria: Ambry Variant Classification Scheme 2023. Collection method: clinical testing. Allele origin: germline.
Comment: The c.1201A>G (p.M401V) alteration is located in exon (coding exon ) of the SH3RF3 gene. This alteration results from a A to G substitution at nucleotide position 1201, causing the methionine (M) at amino acid position 401 to be replaced by a valine (V). Based on insufficient or conflicting evidence, the clinical significance of this alteration remains unclear.

NM_001099289.3(SH3RF3):c.1201A>G (p.Met401Val)

Genes: RANBP2 (RAN binding protein 2; plus strand), SH3RF3 (SH3 domain containing ring finger 3; plus strand). Cytogenetic location: 2q13.
Variant type: single nucleotide variant.
Coding change: c.1201A>G on transcript NM_001099289.3 (MANE Select); coding-DNA position 1201, A replaced by G.
Protein change: p.Met401Val; replaces methionine 401 with valine.
Molecular consequence: missense variant.
Genome position (GRCh38, 1-based): chr2:109,398,845, A>G. VCF-style: chr2-109398845-A-G. GRCh37 (hg19) VCF-style: chr2-110015301-A-G.
Other names: short protein forms M401V.
Identifiers: ClinVar variation 2303614 (VCV002303614.2), dbSNP rs767279921, ClinGen allele CA1825568.
Genomic context (GRCh38, chr2:109,398,845, plus strand): 5'-TCCTTCACCGCGCTCAGTGTGACGCACAGATCCTCCCAGGCTGCCAGCCACAGGCATTCC[A>G]TGGAAATTAGTGCTCCAGTGTTGATCAGCTCCAGCGATCCCCGAGCCGCGGCCAGGATTG-3'
Protein context (NP_001092759.1, residues 391-411): SSQAASHRHS[Met401Val]EISAPVLISS